The following is an entry in ClinVar:

ClinVar aggregate classification (germline): Uncertain significance (1 of 4 stars; one submission).

Conditions:
Congenital disorder of glycosylation, type Iaa. Also called: Congenital disorder of glycosylation, type 1aa. Identifiers: MedGen C4310727, MONDO:0014904, OMIM 617082.

gnomAD v4.1: 2 of 1,554,696 alleles (0.00013%); highest among the groups gnomAD compares: South Asian, 0.0024%; no homozygotes.

Submission:

Labcorp Genetics (formerly Invitae), Labcorp
Classification: Uncertain significance for Congenital disorder of glycosylation, type Iaa. Last evaluated: 2024-05-04. Review status: criteria provided, single submitter. Criteria: Invitae Variant Classification Sherloc (09022015). Collection method: clinical testing. Allele origin: germline.
Comment: This sequence change replaces phenylalanine, which is neutral and non-polar, with cysteine, which is neutral and slightly polar, at codon 30 of the NUS1 protein (p.Phe30Cys). This variant is present in population databases (no rsID available, gnomAD 0.004%). This variant has not been reported in the literature in individuals affected with NUS1-related conditions. An algorithm developed to predict the effect of missense changes on protein structure and function (PolyPhen-2) suggests that this variant is likely to be disruptive. In summary, the available evidence is currently insufficient to determine the role of this variant in disease. Therefore, it has been classified as a Variant of Uncertain Significance.

NM_138459.5(NUS1):c.89T>G (p.Phe30Cys)

Gene: NUS1 (NUS1 dehydrodolichyl diphosphate synthase subunit; plus strand). Cytogenetic location: 6q22.1.
Variant type: single nucleotide variant.
Coding change: c.89T>G on transcript NM_138459.5 (MANE Select); coding-DNA position 89, T replaced by G.
Protein change: p.Phe30Cys; replaces phenylalanine 30 with cysteine.
Molecular consequence: missense variant.
Genome position (GRCh38, 1-based): chr6:117,675,759, T>G. VCF-style: chr6-117675759-T-G. GRCh37 (hg19) VCF-style: chr6-117996922-T-G.
Other names: short protein forms F30C.
Identifiers: ClinVar variation 3678371 (VCV003678371.2).